The following is an entry in ClinVar:

ClinVar aggregate classification (germline): Uncertain significance. Review status: criteria provided, multiple submitters, no conflicts (2 of 4 stars). 4 submissions from 4 submitters: Uncertain significance (3). 1 of the submissions does not count toward it. Last evaluated 2025-09-05.

Conditions:
Inborn genetic diseases. Identifiers: MedGen C0950123, MeSH D030342.
Usher syndrome type 1 (USH1). Also called: RETINITIS PIGMENTOSA AND CONGENITAL DEAFNESS. Identifiers: Orphanet 231169, Orphanet 886, MedGen C1568247, MONDO:0010168, OMIM 276900.

Allele frequency attached by ClinVar (database versions not stated): gnomAD exomes 0.00003 and 0.00001; ExAC 0.00004; gnomAD 0.00003 and 0.00002; TOPMed 0.00001.
gnomAD v4.1: 27 of 1,593,836 alleles (0.0017%); highest among the groups gnomAD compares: East Asian, 0.029%; no homozygotes.

Submissions (4):

Ambry Genetics
Classification: Uncertain significance for Inborn genetic diseases. Last evaluated: 2025-09-05. Review status: criteria provided, single submitter. Criteria: Ambry Variant Classification Scheme 2023. Collection method: clinical testing. Allele origin: germline.

Labcorp Genetics (formerly Invitae), Labcorp
Classification: Uncertain significance. Last evaluated: 2022-03-29. Review status: criteria provided, single submitter. Criteria: Invitae Variant Classification Sherloc (09022015). Collection method: clinical testing. Allele origin: germline.
Comment: This sequence change replaces arginine, which is basic and polar, with histidine, which is basic and polar, at codon 3341 of the CDH23 protein (p.Arg3341His). This variant is present in population databases (rs765298747, gnomAD 0.03%). This variant has not been reported in the literature in individuals affected with CDH23-related conditions. ClinVar contains an entry for this variant (Variation ID: 618007). Algorithms developed to predict the effect of missense changes on protein structure and function output the following: SIFT: "Deleterious"; PolyPhen-2: "Not Available"; Align-GVGD: "Class C0". The histidine amino acid residue is found in multiple mammalian species, which suggests that this missense change does not adversely affect protein function. In summary, the available evidence is currently insufficient to determine the role of this variant in disease. Therefore, it has been classified as a Variant of Uncertain Significance.

ARUP Laboratories, Molecular Genetics and Genomics, ARUP Laboratories
Classification: Uncertain significance. Last evaluated: 2017-07-18. Review status: criteria provided, single submitter. Criteria: ARUP Molecular Germline Variant Investigation Process. Collection method: clinical testing. Allele origin: germline.
Comment: The A p.Arg3341His variant (rs765298747) has not been reported in the medical literature, gene specific variation databases, nor has it been previously identified by our laboratory. This variant is listed in the genome Aggregation Database (gnomAD) with an overall population frequency of 0.003 percent (identified on 8 out of 266524 chromosomes). The arginine at position 3341 is highly conserved, up to Frog (considering 12 species) (Alamut v2.9.0) and computational analyses of the effects of the p.Arg3341His variant on protein structure and function provide conflicting results (SIFT: damaging, MutationTaster: disease causing, PolyPhen-2: benign). Altogether, there is not enough evidence to classify the A p.Arg3341His variant with certainty.

Natera, Inc.
Classification: Uncertain significance for Usher syndrome type 1. Last evaluated: 2019-10-28. Review status: no assertion criteria provided. Collection method: clinical testing. Allele origin: germline. Not counted in ClinVar's aggregate classification.

NM_022124.6(CDH23):c.10022G>A (p.Arg3341His)

Gene: CDH23 (cadherin related 23; plus strand). Cytogenetic location: 10q22.1.
Variant type: single nucleotide variant.
Coding change: c.10022G>A on transcript NM_022124.6 (MANE Select); coding-DNA position 10022, G replaced by A.
Protein change: p.Arg3341His; replaces arginine 3341 with histidine.
Molecular consequence: missense variant.
Genome position (GRCh38, 1-based): chr10:71,815,235, G>A. VCF-style: chr10-71815235-G-A. GRCh37 (hg19) VCF-style: chr10-73574992-G-A.
Other names: c.3302G>A, p.Arg1101His (NM_001171933.1); c.3197G>A, p.Arg1066His (NM_001171934.1); c.713G>A, p.Arg238His (NM_001171935.1); c.608G>A, p.Arg203His (NM_001171936.1); short protein forms R3341H, R1066H, R203H, R1101H, R238H.
Identifiers: ClinVar variation 618007 (VCV000618007.12), dbSNP rs765298747, ClinGen allele CA5547245.